The following is an entry in ClinVar:

ClinVar aggregate classification (germline): Uncertain significance. Review status: criteria provided, multiple submitters, no conflicts (2 of 4 stars). 2 submissions from 2 submitters: Uncertain significance (2). Last evaluated 2025-12-13.

Conditions:
Emery-Dreifuss muscular dystrophy 5, autosomal dominant (EDMD5). Also called: EMERY-DREIFUSS MUSCULAR DYSTROPHY 5. Identifiers: Orphanet 261, MedGen C2751805, MONDO:0013072, OMIM 612999.

Allele frequency attached by ClinVar (database versions not stated): TOPMed 0.00002.
gnomAD v4.1: 20 of 1,613,874 alleles (0.0012%); highest among the groups gnomAD compares: Admixed American, 0.028%; no homozygotes.

Submissions (2):

Labcorp Genetics (formerly Invitae), Labcorp
Classification: Uncertain significance for Emery-Dreifuss muscular dystrophy 5, autosomal dominant. Last evaluated: 2025-12-13. Review status: criteria provided, single submitter. Criteria: Invitae Variant Classification Sherloc (09022015). Collection method: clinical testing. Allele origin: germline.
Comment: This sequence change replaces arginine, which is basic and polar, with cysteine, which is neutral and slightly polar, at codon 5908 of the SYNE2 protein (p.Arg5908Cys). This variant is present in population databases (rs201147247, gnomAD 0.05%), and has an allele count higher than expected for a pathogenic variant. This variant has not been reported in the literature in individuals affected with SYNE2-related conditions. ClinVar contains an entry for this variant (Variation ID: 1021843). An algorithm developed to predict the effect of missense changes on protein structure and function (PolyPhen-2) suggests that this variant is likely to be disruptive. In summary, the available evidence is currently insufficient to determine the role of this variant in disease. Therefore, it has been classified as a Variant of Uncertain Significance.

Ambry Genetics
Classification: Uncertain significance. Last evaluated: 2025-06-10. Review status: criteria provided, single submitter. Criteria: Ambry Variant Classification Scheme 2023. Collection method: clinical testing. Allele origin: germline.

NM_182914.3(SYNE2):c.17722C>T (p.Arg5908Cys)

Gene: SYNE2 (spectrin repeat containing nuclear envelope protein 2; plus strand). Cytogenetic location: 14q23.2.
Variant type: single nucleotide variant.
Coding change: c.17722C>T on transcript NM_182914.3 (MANE Select); coding-DNA position 17722, C replaced by T.
Protein change: p.Arg5908Cys; replaces arginine 5908 with cysteine.
Molecular consequence: missense variant.
Genome position (GRCh38, 1-based): chr14:64,188,559, C>T. VCF-style: chr14-64188559-C-T. GRCh37 (hg19) VCF-style: chr14-64655277-C-T.
Other names: c.17722C>T (NM_182914.2); c.17722C>T, p.Arg5908Cys (NM_015180.6); short protein forms R5908C.
Identifiers: ClinVar variation 1021843 (VCV001021843.11), dbSNP rs201147247, ClinGen allele CA7223814.